The following is an entry in ClinVar:

NM_015294.6(TRIM37):c.2776G>T (p.Asp926Tyr)

Genes: TRIM37 (tripartite motif containing 37; minus strand), LOC126862606 (CDK7 strongly-dependent group 2 enhancer GRCh37_chr17:57078614-57079813; plus strand). Cytogenetic location: 17q22.
Variant type: single nucleotide variant.
Coding change: c.2776G>T on transcript NM_015294.6 (MANE Select); coding-DNA position 2776, G replaced by T.
Protein change: p.Asp926Tyr; replaces aspartic acid 926 with tyrosine.
Molecular consequence: missense variant. On other transcripts: non-coding transcript variant (2), intron variant (3).
Genome position (GRCh38, 1-based): chr17:59,001,634, C>A on the plus strand (G>T on the coding strand, the complement: TRIM37 is on the minus strand). VCF-style: chr17-59001634-C-A. GRCh37 (hg19) VCF-style: chr17-57078995-C-A.
Other names: c.2776G>T, p.Asp926Tyr (NM_001005207.5); c.2674G>T, p.Asp892Tyr (NM_001320987.3); c.2701G>T, p.Asp901Tyr (NM_001353082.2); c.2041G>T, p.Asp681Tyr (NM_001353083.2); c.2803G>T, p.Asp935Tyr (NM_001353084.2); c.2314G>T, p.Asp772Tyr (NM_001353085.2); c.2725G>T, p.Asp909Tyr (NM_001353086.2); c.2696-2175G>T (NM_001320989.3, NM_001320988.3); and 1 more; short protein forms D926Y, D681Y, D772Y, D892Y, D901Y, D909Y, D935Y.
Identifiers: ClinVar variation 324189 (VCV000324189.8), dbSNP rs375437566, ClinGen allele CA8677944.

ClinVar aggregate classification (germline): Uncertain significance. Review status: criteria provided, multiple submitters, no conflicts (2 of 4 stars). 3 submissions from 3 submitters: Uncertain significance (3). Last evaluated 2025-12-02.

Conditions:
Mulibrey nanism syndrome. Also called: MUSCLE-LIVER-BRAIN-EYE NANISM; PERHEENTUPA SYNDROME; PERICARDIAL CONSTRICTION AND GROWTH FAILURE. Identifiers: Orphanet 2576, MedGen C0524582, MONDO:0009664, OMIM 253250.
Inborn genetic diseases. Identifiers: MedGen C0950123, MeSH D030342.

Allele frequency attached by ClinVar (database versions not stated): TOPMed 0.00002; gnomAD 0.00003; ESP Exome Variant Server 0.00008.
gnomAD v4.1: 18 of 1,613,876 alleles (0.0011%); highest among the groups gnomAD compares: Non-Finnish European, 0.0014%; no homozygotes.

Submissions (3):

Labcorp Genetics (formerly Invitae), Labcorp
Classification: Uncertain significance. Last evaluated: 2025-12-02. Review status: criteria provided, single submitter. Criteria: Invitae Variant Classification Sherloc (09022015). Collection method: clinical testing. Allele origin: germline.
Comment: This sequence change replaces aspartic acid, which is acidic and polar, with tyrosine, which is neutral and polar, at codon 926 of the TRIM37 protein (p.Asp926Tyr). This variant is present in population databases (rs375437566, gnomAD 0.004%). This variant has not been reported in the literature in individuals affected with TRIM37-related conditions. ClinVar contains an entry for this variant (Variation ID: 324189). An algorithm developed to predict the effect of missense changes on protein structure and function (PolyPhen-2) suggests that this variant is likely to be tolerated. In summary, the available evidence is currently insufficient to determine the role of this variant in disease. Therefore, it has been classified as a Variant of Uncertain Significance.

Ambry Genetics
Classification: Uncertain significance for Inborn genetic diseases. Last evaluated: 2024-05-14. Review status: criteria provided, single submitter. Criteria: Ambry Variant Classification Scheme 2023. Collection method: clinical testing. Allele origin: germline.

Illumina Laboratory Services, Illumina
Classification: Uncertain significance for Mulibrey nanism syndrome. Last evaluated: 2018-01-13. Review status: criteria provided, single submitter. Criteria: ICSL Variant Classification Criteria 13 December 2019. Collection method: clinical testing. Allele origin: germline.